The following is an entry in ClinVar:

ClinVar aggregate classification (germline): Uncertain significance (1 of 4 stars; one submission).

Conditions:
PLXNA2-related disorder. Also called: PLXNA2-related condition.

gnomAD v4.1: 1 of 1,609,918 alleles (0.000062%); no homozygotes.

Submission:

PreventionGenetics, part of Exact Sciences
Classification: Uncertain significance for PLXNA2-related condition. Last evaluated: 2026-08-03. Review status: criteria provided, single submitter. Criteria: ACMG Guidelines, 2015. Collection method: clinical testing. Allele origin: germline.
Comment: The PLXNA2 c.1387C>A variant is predicted to result in the amino acid substitution p.Pro463Thr. To our knowledge, this variant has not been reported in the literature. This variant is reported in 0.0056% of alleles in individuals of East Asian descent in gnomAD. At this time, the clinical significance of this variant is uncertain due to the absence of conclusive functional and genetic evidence.

NM_025179.4(PLXNA2):c.1387C>A (p.Pro463Thr)

Gene: PLXNA2 (plexin A2; minus strand). Cytogenetic location: 1q32.2.
Variant type: single nucleotide variant.
Coding change: c.1387C>A on transcript NM_025179.4 (MANE Select); coding-DNA position 1387, C replaced by A.
Protein change: p.Pro463Thr; replaces proline 463 with threonine.
Molecular consequence: missense variant.
Genome position (GRCh38, 1-based): chr1:208,142,448, G>T on the plus strand (C>A on the coding strand, the complement: PLXNA2 is on the minus strand). VCF-style: chr1-208142448-G-T. GRCh37 (hg19) VCF-style: chr1-208315793-G-T.
Other names: short protein forms P463T.
Identifiers: ClinVar variation 4991143 (VCV004991143.1).